The following is an entry in ClinVar:

NM_145290.4(ADGRA3):c.262C>G (p.Leu88Val)

Gene: ADGRA3 (adhesion G protein-coupled receptor A3; minus strand). Cytogenetic location: 4p15.2.
Variant type: single nucleotide variant.
Coding change: c.262C>G on transcript NM_145290.4 (MANE Select); coding-DNA position 262, C replaced by G.
Protein change: p.Leu88Val; replaces leucine 88 with valine.
Molecular consequence: missense variant.
Genome position (GRCh38, 1-based): chr4:22,473,839, G>C on the plus strand (C>G on the coding strand, the complement: ADGRA3 is on the minus strand). VCF-style: chr4-22473839-G-C. GRCh37 (hg19) VCF-style: chr4-22475462-G-C.
Other names: short protein forms L88V.
Identifiers: ClinVar variation 4776851 (VCV004776851.1).

ClinVar aggregate classification (germline): Uncertain significance (1 of 4 stars; one submission).

Submission:

Labcorp Genetics (formerly Invitae), Labcorp
Classification: Uncertain significance. Last evaluated: 2025-11-19. Review status: criteria provided, single submitter. Criteria: Invitae Variant Classification Sherloc (09022015). Collection method: clinical testing. Allele origin: germline.
Comment: This sequence change replaces leucine, which is neutral and non-polar, with valine, which is neutral and non-polar, at codon 88 of the ADGRA3 protein (p.Leu88Val). This variant is not present in population databases (gnomAD no frequency). This variant has not been reported in the literature in individuals affected with ADGRA3-related conditions. An algorithm developed to predict the effect of missense changes on protein structure and function (PolyPhen-2) suggests that this variant is likely to be disruptive. In summary, the available evidence is currently insufficient to determine the role of this variant in disease. Therefore, it has been classified as a Variant of Uncertain Significance.